The following is an entry in ClinVar:

ClinVar aggregate classification (germline): Uncertain significance (1 of 4 stars; one submission).

gnomAD v4.1: 4 of 1,538,704 alleles (0.00026%); highest among the groups gnomAD compares: Non-Finnish European, 0.00026%; no homozygotes.

Submission:

Labcorp Genetics (formerly Invitae), Labcorp
Classification: Uncertain significance. Last evaluated: 2024-12-03. Review status: criteria provided, single submitter. Criteria: Invitae Variant Classification Sherloc (09022015). Collection method: clinical testing. Allele origin: germline.
Comment: This sequence change replaces glycine, which is neutral and non-polar, with serine, which is neutral and polar, at codon 2075 of the DSCAML1 protein (p.Gly2075Ser). This variant is not present in population databases (gnomAD no frequency). This variant has not been reported in the literature in individuals affected with DSCAML1-related conditions. An algorithm developed to predict the effect of missense changes on protein structure and function (PolyPhen-2) suggests that this variant is likely to be tolerated. In summary, the available evidence is currently insufficient to determine the role of this variant in disease. Therefore, it has been classified as a Variant of Uncertain Significance.

NM_020693.4(DSCAML1):c.6043G>A (p.Gly2015Ser)

Gene: DSCAML1 (DS cell adhesion molecule like 1; minus strand). Cytogenetic location: 11q23.3.
Variant type: single nucleotide variant.
Coding change: c.6043G>A on transcript NM_020693.4 (MANE Select); coding-DNA position 6043, G replaced by A.
Protein change: p.Gly2015Ser; replaces glycine 2015 with serine.
Molecular consequence: missense variant.
Genome position (GRCh38, 1-based): chr11:117,428,447, C>T on the plus strand (G>A on the coding strand, the complement: DSCAML1 is on the minus strand). VCF-style: chr11-117428447-C-T. GRCh37 (hg19) VCF-style: chr11-117299163-C-T.
Other names: short protein forms G2015S.
Identifiers: ClinVar variation 3611207 (VCV003611207.2).
Genomic context (GRCh38, chr11:117,428,447, plus strand): 5'-CCCCCGATGTGCTCATCTCGAGAAGCGAGTCCCTGGAGCCCCCCATTTTGGTGTGTGGGC[C>T]CCCGGCTCGTGGAGGCTCGGTGCTGGGGGCCGGAGGGGCAGCGCTGGGGGCGGTGGGTGG-3'
Protein context (NP_065744.3, residues 2005-2025): APSTEPPRAG[Gly2015Ser]PHTKMGGSRD